The following is an entry in ClinVar:

NM_032043.3(BRIP1):c.-30-88C>T

Gene: BRIP1 (BRCA1 interacting DNA helicase 1; minus strand). Cytogenetic location: 17q23.2.
Variant type: single nucleotide variant.
Coding change: c.-30-88C>T on transcript NM_032043.3 (MANE Select); 88 bases into the intron before 30 bases upstream of the start codon, C replaced by T.
Molecular consequence: intron variant.
Genome position (GRCh38, 1-based): chr17:61,861,657, G>A on the plus strand (C>T on the coding strand, the complement: BRIP1 is on the minus strand). VCF-style: chr17-61861657-G-A. GRCh37 (hg19) VCF-style: chr17-59939018-G-A.
Identifiers: ClinVar variation 676481 (VCV000676481.2), dbSNP rs76477362, ClinGen allele CA292281904.

ClinVar aggregate classification (germline): Benign. Review status: criteria provided, multiple submitters, no conflicts (2 of 4 stars). 2 submissions from 2 submitters: Benign (2). Last evaluated 2018-06-15.

Allele frequency attached by ClinVar (database versions not stated): gnomAD exomes 0.00855; gnomAD 0.07052 and 0.07549; 1000 Genomes Project 0.07268; 1000 Genomes Project 30x 0.07683; TOPMed 0.07983.
gnomAD v4.1: 16,040 of 737,360 alleles (2.2%); highest among the groups gnomAD compares: African/African-American, 24%; 1,751 homozygotes.

Submissions (2):

GeneDx
Classification: Benign. Last evaluated: 2018-06-15. Review status: criteria provided, single submitter. Criteria: GeneDx Variant Classification (06012015). Collection method: clinical testing. Allele origin: germline. Affected: yes.
Comment: This variant is considered likely benign or benign based on one or more of the following criteria: it is a conservative change, it occurs at a poorly conserved position in the protein, it is predicted to be benign by multiple in silico algorithms, and/or has population frequency not consistent with disease.

Breakthrough Genomics
Classification: Benign. Review status: criteria provided, single submitter. Criteria: ACMG Guidelines, 2015. Collection method: not provided. Allele origin: germline. Inheritance: Autosomal dominant inheritance. Affected: yes.